The following is an entry in ClinVar:

ClinVar aggregate classification (germline): Likely pathogenic (1 of 4 stars; one submission).

Conditions:
Congenital hyperammonemia, type I. Also called: Carbamoyl phosphate synthetase 1 deficiency; Hyperammonemia due to carbamoyl phosphate synthetase 1 deficiency; CPS 1 deficiency; Carbamyl phosphate synthetase (CPS) deficiency; CPS I DEFICIENCY; Carbamoyl-phosphate synthase I deficiency. Identifiers: Orphanet 147, MedGen C4082171, MONDO:0009376, OMIM 237300.

Submission:

Myriad Genetics, Inc.
Classification: Likely pathogenic for Congenital hyperammonemia, type I. Last evaluated: 2022-02-27. Review status: criteria provided, single submitter. Criteria: Myriad Women's Health Autosomal Recessive and X-Linked Classification Criteria (2021). Collection method: clinical testing. Allele origin: unknown.
Comment: NM_001875.4(CPS1):c.2017_2018delTC(S673Qfs*23) is expected to be pathogenic in the context of carbamoylphosphate synthetase I deficiency. This variant is predicted to lead to an abnormal or absent protein product due to the creation of a premature termination codon in CPS1, a gene where loss-of-function variants are known to be pathogenic. Please note: this variant was assessed in the context of healthy population screening.

NM_001875.5(CPS1):c.2017_2018del (p.Ser673fs)

Gene: CPS1 (carbamoyl-phosphate synthase 1; plus strand). Cytogenetic location: 2q34.
Variant type: Microsatellite.
Coding change: c.2017_2018del on transcript NM_001875.5 (MANE Select); coding-DNA positions 2017 to 2018, 2 bases deleted (TC; older notation c.2017_2018delTC).
Protein change: p.Ser673fs; shifts the reading frame from serine 673.
Molecular consequence: frameshift variant. On other transcripts: non-coding transcript variant (2).
Genome position (GRCh38, 1-based): chr2:210,606,766-210,606,767, TC deleted; deleting any 2 consecutive bases within chr2:210,606,763-210,606,767 gives the same sequence; the c. name uses the placement nearest the transcript's 3' end. VCF-style (leftmost placement, unchanged base first): chr2-210606762-ACT-A. GRCh37 (hg19) VCF-style: chr2-211471486-ACT-A.
Other names: c.2017_2018del, p.Ser673fs (NM_001122633.3, NM_001369257.1); c.2050_2051del, p.Ser684fs (NM_001369256.1); short protein forms S673fs, S684fs.
Identifiers: ClinVar variation 1724792 (VCV001724792.2), dbSNP rs2469168948, ClinGen allele CA2580616667.